The following is an entry in ClinVar:

NM_000383.4(AIRE):c.1347C>A (p.Cys449Ter)

Gene: AIRE (autoimmune regulator; plus strand). Cytogenetic location: 21q22.3.
Variant type: single nucleotide variant.
Coding change: c.1347C>A on transcript NM_000383.4 (MANE Select); coding-DNA position 1347, C replaced by A.
Protein change: p.Cys449Ter; replaces cysteine 449 with a stop codon.
Molecular consequence: nonsense.
Genome position (GRCh38, 1-based): chr21:44,293,857, C>A. VCF-style: chr21-44293857-C-A. GRCh37 (hg19) VCF-style: chr21-45713740-C-A.
Other names: c.1347C>A (NM_000383.3); short protein forms C449*.
Identifiers: ClinVar variation 3901022 (VCV003901022.4).
Genomic context (GRCh38, chr21:44,293,857, plus strand): 5'-TCCTGGTGCGCGTTGCGGGGTGTGCGGAGATGGTACGGACGTGCTGCGGTGTACTCACTG[C>A]GCCGCTGCCTTCCACTGGCGCTGCCACTTCCCAGCCGGCACCTCCCGGCCCGGGTGAGTG-3'

ClinVar aggregate classification (germline): Pathogenic. Review status: criteria provided, multiple submitters, no conflicts (2 of 4 stars). 3 submissions from 3 submitters: Pathogenic (3). Last evaluated 2025-08-15.

Conditions:
Polyglandular autoimmune syndrome, type 1 (APS1). Also called: AUTOIMMUNE POLYENDOCRINE SYNDROME, TYPE I, WITH OR WITHOUT REVERSIBLE METAPHYSEAL DYSPLASIA; HYPOADRENOCORTICISM WITH HYPOPARATHYROIDISM AND SUPERFICIAL MONILIASIS; APS I; PGA I; Autoimmune polyendocrine syndrome type 1; Whitaker syndrome. Identifiers: Orphanet 3453, MedGen C0085859, MONDO:0009411, OMIM 240300.

Submissions (3):

Natera, Inc.
Classification: Pathogenic for Polyglandular autoimmune syndrome type 1. Last evaluated: 2025-08-15. Review status: criteria provided, single submitter. Criteria: Natera Variant Classification Schema (03/2026). Collection method: clinical testing. Allele origin: germline.
Comment: The c.1347C>A variant in AIRE is a nonsense variant predicted to introduce a stop codon at amino acid 449. This variant is expected to result in nonsense mediated decay, truncation, or a dysfunctional protein product. This variant is rare in the general population with a frequency below the threshold expected for the associated phenotype(s). This variant has been observed in one or more individuals affected with the associated recessive disease, as either homozygous or compound heterozygous with a second variant (PMID: 30287219). Given the available evidence, this variant is classified as Pathogenic.

Dasa
Classification: Pathogenic. Last evaluated: 2025-06-24. Review status: criteria provided, single submitter. Criteria: DASA Assertion Criteria. Collection method: clinical testing. Allele origin: germline.
Comment: NM_000383.4(AIRE):c.1347C>A (p.Cys449*) introduces a premature termination codon predicted to result in loss of normal protein function. Loss-of-function is an established mechanism of disease for this gene. This variant has been observed in affected individuals with related phenotype in a genotype context consistent with recessive disease. The variant is present at low frequency in population datasets. Based on the available data, this variant is classified as pathogenic.

Laboratorio de Genetica e Diagnostico Molecular, Hospital Israelita Albert Einstein
Classification: Pathogenic for Polyglandular autoimmune syndrome, type 1. Last evaluated: 2024-09-25. Review status: criteria provided, single submitter. Criteria: ACMG Guidelines, 2015. Collection method: clinical testing. Allele origin: germline. Affected: yes.
Comment: ACMG classification criteria: PVS1 very strong, PM2 supporting, PM3 supporting

Literature cited by the submitters: PubMed 30287219 (cited by Natera, Inc.).